The following is an entry in ClinVar:

NM_001953.5(TYMP):c.1128_1153del (p.Glu377fs)

Genes: SCO2 (synthesis of cytochrome C oxidase 2; minus strand), TYMP (thymidine phosphorylase; minus strand), LOC130067862 (ATAC-STARR-seq lymphoblastoid silent region 13986; plus strand). Cytogenetic location: 22q13.33.
Variant type: Deletion.
Coding change: c.1128_1153del on transcript NM_001953.5 (MANE Select); coding-DNA positions 1128 to 1153, 26 bases deleted (GGAGCAGGAGGAGCTGCTGGCGCCCG).
Protein change: p.Glu377fs; shifts the reading frame from glutamic acid 377.
Molecular consequence: frameshift variant. On other transcripts: 5 prime UTR variant (1).
Genome position (GRCh38, 1-based): chr22:50,526,252-50,526,277, CGGGCGCCAGCAGCTCCTCCTGCTCC deleted on the plus strand (GGAGCAGGAGGAGCTGCTGGCGCCCG on the coding strand, the reverse complement: TYMP is on the minus strand); deleting any 26 consecutive bases within chr22:50,526,252-50,526,284 gives the same sequence; the c. name uses the placement nearest the transcript's 3' end. VCF-style (leftmost placement, unchanged base first): chr22-50526251-GCGGGCGCCAGCAGCTCCTCCTGCTCC-G. GRCh37 (hg19) VCF-style: chr22-50964680-GCGGGCGCCAGCAGCTCCTCCTGCTCC-G.
Other names: c.1128_1153del, p.Glu377fs (NM_001113755.3, NM_001113756.3, NM_001257988.1 and 1 more transcripts); c.-45_-20del (NM_001169109.2); short protein forms E377fs.
Identifiers: ClinVar variation 1455357 (VCV001455357.11), dbSNP rs1200526412, ClinGen allele CA640357423.

ClinVar aggregate classification (germline): Pathogenic/Likely pathogenic. Review status: criteria provided, multiple submitters, no conflicts (2 of 4 stars). 3 submissions from 3 submitters: Pathogenic (1); Likely pathogenic (2). Last evaluated 2024-11-27.

Conditions:
TYMP-related disorder. Also called: TYMP-related condition.
Mitochondrial neurogastrointestinal encephalomyopathy. Also called: Mitochondrial neurogastrointestinal encephalopathy syndrome; MNGIE syndrome; Thymidine phosphorylase deficiency. Identifiers: Orphanet 298, MedGen C0872218, MONDO:0017575.

Submissions (3):

Natera, Inc.
Classification: Likely pathogenic for Mitochondrial neurogastrointestinal encephalomyopathy. Last evaluated: 2024-11-27. Review status: criteria provided, single submitter. Criteria: Natera Variant Classification Schema (03/2026). Collection method: clinical testing. Allele origin: germline.
Comment: The c.1128_1153delGGAGCAGGAGGAGCTGCTGGCGCCCG variant in TYMP is a frameshift variant predicted to elongate the protein beyond the termination codon. This variant is expected to result in nonsense mediated decay, truncation, or a dysfunctional protein product. This variant is rare in the general population with a frequency below the threshold expected for the associated phenotype(s). Given the available evidence, this variant is classified as Likely Pathogenic.

Labcorp Genetics (formerly Invitae), Labcorp
Classification: Pathogenic. Last evaluated: 2024-04-22. Review status: criteria provided, single submitter. Criteria: Invitae Variant Classification Sherloc (09022015). Collection method: clinical testing. Allele origin: germline.
Comment: This sequence change results in a frameshift in the TYMP gene (p.Glu377Argfs*?). While this is not anticipated to result in nonsense mediated decay, it is expected to disrupt the last 106 amino acid(s) of the TYMP protein and extend the protein by an uncertain number of additional amino acid residues. This variant is present in population databases (no rsID available, gnomAD 0.004%). This variant has not been reported in the literature in individuals affected with TYMP-related conditions. ClinVar contains an entry for this variant (Variation ID: 1455357). This variant results in an extension of the TYMP protein. Other variant(s) that result in a similarly extended protein product (p.Asp443Profs*?) have been determined to be pathogenic (PMID: 16198108; Invitae). This suggests that these extensions are likely to be disease-causing. For these reasons, this variant has been classified as Pathogenic.

PreventionGenetics, part of Exact Sciences
Classification: Likely pathogenic for TYMP-related condition. Last evaluated: 2022-11-07. Review status: criteria provided, single submitter. Criteria: ACMG Guidelines, 2015. Collection method: clinical testing. Allele origin: germline.
Comment: The TYMP c.1128_1153del26 variant is predicted to result in a frameshift and premature protein termination (p.Glu377Argfs*126). To our knowledge, this variant has not been reported in the literature. This variant is reported in 0.0041% of alleles in individuals of Latino descent in gnomAD. Frameshift variants in TYMP are expected to be pathogenic. This variant is interpreted as likely pathogenic.

Literature cited by the submitters: PubMed 16198108 (cited by Labcorp Genetics (formerly Invitae), Labcorp).